The following is an entry in ClinVar:

NM_133433.4(NIPBL):c.7004G>A (p.Arg2335Gln)

Gene: NIPBL (NIPBL cohesin loading factor; plus strand). Cytogenetic location: 5p13.2.
Variant type: single nucleotide variant.
Coding change: c.7004G>A on transcript NM_133433.4 (MANE Select); coding-DNA position 7004, G replaced by A.
Protein change: p.Arg2335Gln; replaces arginine 2335 with glutamine.
Molecular consequence: missense variant.
Genome position (GRCh38, 1-based): chr5:37,051,828, G>A. VCF-style: chr5-37051828-G-A. GRCh37 (hg19) VCF-style: chr5-37051930-G-A.
Other names: c.7004G>A, p.Arg2335Gln (NM_015384.5); short protein forms R2335Q.
Identifiers: ClinVar variation 3678040 (VCV003678040.2).

ClinVar aggregate classification (germline): Uncertain significance (1 of 4 stars; one submission).

Conditions:
Cornelia de Lange syndrome 1 (CDLS1). Also called: TYPUS DEGENERATIVUS AMSTELODAMENSIS; Brachmann de Lange syndrome; NIPBL-Related Cornelia de Lange Syndrome. Identifiers: Orphanet 199, MedGen C4551851, MONDO:0007387, OMIM 122470.

gnomAD v4.1: 1 of 1,613,564 alleles (0.000062%); highest among the groups gnomAD compares: Admixed American, 0.0017%; no homozygotes.

Submission:

Labcorp Genetics (formerly Invitae), Labcorp
Classification: Uncertain significance for Cornelia de Lange syndrome 1. Last evaluated: 2025-02-11. Review status: criteria provided, single submitter. Criteria: Invitae Variant Classification Sherloc (09022015). Collection method: clinical testing. Allele origin: germline.
Comment: This sequence change replaces arginine, which is basic and polar, with glutamine, which is neutral and polar, at codon 2335 of the NIPBL protein (p.Arg2335Gln). This variant is not present in population databases (gnomAD no frequency). This variant has not been reported in the literature in individuals affected with NIPBL-related conditions. Invitae Evidence Modeling of protein sequence and biophysical properties (such as structural, functional, and spatial information, amino acid conservation, physicochemical variation, residue mobility, and thermodynamic stability) has been performed for this missense variant. However, the output from this modeling did not meet the statistical confidence thresholds required to predict the impact of this variant on NIPBL protein function. In summary, the available evidence is currently insufficient to determine the role of this variant in disease. Therefore, it has been classified as a Variant of Uncertain Significance.